The following is an entry in ClinVar:

NM_022114.4(PRDM16):c.1634C>T (p.Ala545Val)

Gene: PRDM16 (PR/SET domain 16; plus strand). Cytogenetic location: 1p36.32.
Variant type: single nucleotide variant.
Coding change: c.1634C>T on transcript NM_022114.4 (MANE Select); coding-DNA position 1634, C replaced by T.
Protein change: p.Ala545Val; replaces alanine 545 with valine.
Molecular consequence: missense variant.
Genome position (GRCh38, 1-based): chr1:3,411,831, C>T. VCF-style: chr1-3411831-C-T. GRCh37 (hg19) VCF-style: chr1-3328395-C-T.
Other names: c.1634C>T, p.Ala545Val (NM_199454.3); short protein forms A545V.
Identifiers: ClinVar variation 1950995 (VCV001950995.5), dbSNP rs2523882840, ClinGen allele CA337998410.

ClinVar aggregate classification (germline): Uncertain significance (1 of 4 stars; one submission).

Conditions:
Left ventricular noncompaction 8 (LVNC8). Identifiers: Orphanet 154, Orphanet 54260, MedGen C3809288, MONDO:0014152, OMIM 615373.

Submission:

Labcorp Genetics (formerly Invitae), Labcorp
Classification: Uncertain significance for Left ventricular noncompaction 8. Last evaluated: 2022-04-12. Review status: criteria provided, single submitter. Criteria: Invitae Variant Classification Sherloc (09022015). Collection method: clinical testing. Allele origin: germline.
Comment: In summary, the available evidence is currently insufficient to determine the role of this variant in disease. Therefore, it has been classified as a Variant of Uncertain Significance. Algorithms developed to predict the effect of missense changes on protein structure and function are either unavailable or do not agree on the potential impact of this missense change (SIFT: "Deleterious"; PolyPhen-2: "Possibly Damaging"; Align-GVGD: "Class C0"). This variant has not been reported in the literature in individuals affected with PRDM16-related conditions. This variant is not present in population databases (gnomAD no frequency). This sequence change replaces alanine, which is neutral and non-polar, with valine, which is neutral and non-polar, at codon 545 of the PRDM16 protein (p.Ala545Val).